The following is an entry in ClinVar:

NM_000211.5(ITGB2):c.*171G>C

Gene: ITGB2 (integrin subunit beta 2; minus strand). Cytogenetic location: 21q22.3.
Variant type: single nucleotide variant.
Coding change: c.*171G>C on transcript NM_000211.5 (MANE Select); 171 bases downstream of the stop codon, G replaced by C.
Molecular consequence: 3 prime UTR variant.
Genome position (GRCh38, 1-based): chr21:44,886,197, C>G on the plus strand (G>C on the coding strand, the complement: ITGB2 is on the minus strand). VCF-style: chr21-44886197-C-G. GRCh37 (hg19) VCF-style: chr21-46306112-C-G.
Other names: c.*171G>C (LRG_76t1, NM_001127491.3, NM_001303238.2).
Identifiers: ClinVar variation 340129 (VCV000340129.6), dbSNP rs6570, ClinGen allele CA10653026.

ClinVar aggregate classification (germline): Benign. Review status: criteria provided, multiple submitters, no conflicts (2 of 4 stars). 2 submissions from 2 submitters: Benign (2). Last evaluated 2018-01-12.

Conditions:
Leukocyte adhesion deficiency 1 (LAD1). Also called: LEUKOCYTE ADHESION DEFICIENCY, TYPE I; LAD 1; Lymphocyte function-associated antigen 1 immunodeficiency; LFA 1 immunodeficiency. Identifiers: Orphanet 2968, Orphanet 99842, MedGen C0398738, MONDO:0007293, OMIM 116920.

Allele frequency attached by ClinVar (database versions not stated): 1000 Genomes Project 0.11002; 1000 Genomes Project 30x 0.11696; TOPMed 0.11751.
gnomAD v4.1: 22,701 of 675,362 alleles (3.4%); highest among the groups gnomAD compares: African/African-American, 35%; 3,690 homozygotes.

Submissions (2):

Illumina Laboratory Services, Illumina
Classification: Benign for Leukocyte adhesion deficiency 1. Last evaluated: 2018-01-12. Review status: criteria provided, single submitter. Criteria: ICSL Variant Classification Criteria 13 December 2019. Collection method: clinical testing. Allele origin: germline.
Comment: This variant was observed in the ICSL laboratory as part of a predisposition screen in an ostensibly healthy population. It had not been previously curated by ICSL or reported in the Human Gene Mutation Database (HGMD: prior to June 1st, 2018), and was therefore a candidate for classification through an automated scoring system. Utilizing variant allele frequency, disease prevalence and penetrance estimates, and inheritance mode, an automated score was calculated to assess if this variant is too frequent to cause the disease. Based on the score and internal cut-off values, a variant classified as benign is not then subjected to further curation. The score for this variant resulted in a classification of benign for this disease.

Breakthrough Genomics
Classification: Benign. Review status: criteria provided, single submitter. Criteria: ACMG Guidelines, 2015. Collection method: not provided. Allele origin: germline. Inheritance: Autosomal recessive inheritance. Affected: yes.